The following is an entry in ClinVar:

NM_000091.5(COL4A3):c.4781C>T (p.Thr1594Ile)

Genes: MFF-DT (MFF divergent transcript; minus strand), COL4A3 (collagen type IV alpha 3 chain; plus strand). Cytogenetic location: 2q36.3.
Variant type: single nucleotide variant.
Coding change: c.4781C>T on transcript NM_000091.5 (MANE Select); coding-DNA position 4781, C replaced by T.
Protein change: p.Thr1594Ile; replaces threonine 1594 with isoleucine.
Molecular consequence: missense variant.
Genome position (GRCh38, 1-based): chr2:227,310,801, C>T. VCF-style: chr2-227310801-C-T. GRCh37 (hg19) VCF-style: chr2-228175517-C-T.
Other names: short protein forms T1594I.
Identifiers: ClinVar variation 1365884 (VCV001365884.7), dbSNP rs760284809, ClinGen allele CA350866040.

ClinVar aggregate classification (germline): Uncertain significance (1 of 4 stars; one submission).

Allele frequency attached by ClinVar (database versions not stated): gnomAD 0.00001.
gnomAD v4.1: 2 of 1,614,050 alleles (0.00012%); highest among the groups gnomAD compares: Non-Finnish European, 0.00017%; no homozygotes.

Submission:

Labcorp Genetics (formerly Invitae), Labcorp
Classification: Uncertain significance. Last evaluated: 2021-08-11. Review status: criteria provided, single submitter. Criteria: Invitae Variant Classification Sherloc (09022015). Collection method: clinical testing. Allele origin: germline.
Comment: This variant is not present in population databases (ExAC no frequency). This sequence change replaces threonine with isoleucine at codon 1594 of the COL4A3 protein (p.Thr1594Ile). The threonine residue is weakly conserved and there is a moderate physicochemical difference between threonine and isoleucine. This variant has not been reported in the literature in individuals affected with COL4A3-related conditions. In summary, the available evidence is currently insufficient to determine the role of this variant in disease. Therefore, it has been classified as a Variant of Uncertain Significance. Advanced modeling of protein sequence and biophysical properties (such as structural, functional, and spatial information, amino acid conservation, physicochemical variation, residue mobility, and thermodynamic stability) performed at Invitae indicates that this missense variant is not expected to disrupt COL4A3 protein function.